The following is an entry in ClinVar:

NM_000038.6(APC):c.1579A>T (p.Arg527Ter)

Gene: APC (APC regulator of Wnt signaling pathway; plus strand). Cytogenetic location: 5q22.2.
Variant type: single nucleotide variant.
Coding change: c.1579A>T on transcript NM_000038.6 (MANE Select); coding-DNA position 1579, A replaced by T.
Protein change: p.Arg527Ter; replaces arginine 527 with a stop codon.
Molecular consequence: nonsense.
Genome position (GRCh38, 1-based): chr5:112,827,959, A>T. VCF-style: chr5-112827959-A-T. GRCh37 (hg19) VCF-style: chr5-112163656-A-T.
Other names: c.1579A>T, p.Arg527Ter (NM_001127510.3, NM_001354895.2, NM_001407450.1); c.1525A>T, p.Arg509Ter (NM_001127511.3); c.1633A>T, p.Arg545Ter (NM_001354896.2, NM_001407447.1, NM_001407448.1 and 1 more transcripts); c.1609A>T, p.Arg537Ter (NM_001354897.2); c.1504A>T, p.Arg502Ter (NM_001354898.2); c.1495A>T, p.Arg499Ter (NM_001354899.2); c.1456A>T, p.Arg486Ter (NM_001354900.2); c.1402A>T, p.Arg468Ter (NM_001354901.2, NM_001407453.1); and 11 more; short protein forms R143*, R401*, R468*, R486*, R517*, R555*, R367*, R398*.
Identifiers: ClinVar variation 1775634 (VCV001775634.7), dbSNP rs751120046, ClinGen allele CA16024758.

ClinVar aggregate classification (germline): Pathogenic. Review status: criteria provided, multiple submitters, no conflicts (2 of 4 stars). 3 submissions from 3 submitters: Pathogenic (3). Last evaluated 2023-11-05.

Conditions:
Hereditary cancer-predisposing syndrome. Also called: Neoplastic Syndromes, Hereditary; Tumor predisposition; Hereditary Cancer Syndrome; Hereditary neoplastic syndrome. Identifiers: Orphanet 140162, MedGen C0027672, MeSH D009386, MONDO:0015356.
Familial adenomatous polyposis 1 (FAP1). Also called: FAMILIAL ADENOMATOUS POLYPOSIS 1, ATTENUATED; POLYPOSIS, ADENOMATOUS INTESTINAL. Identifiers: MedGen C2713442, MONDO:0021056, OMIM 175100. Disease mechanism: loss of function.

Submissions (3):

Labcorp Genetics (formerly Invitae), Labcorp
Classification: Pathogenic for Familial adenomatous polyposis 1. Last evaluated: 2023-11-05. Review status: criteria provided, single submitter. Criteria: Invitae Variant Classification Sherloc (09022015). Collection method: clinical testing. Allele origin: germline.
Comment: This sequence change creates a premature translational stop signal (p.Arg527*) in the APC gene. It is expected to result in an absent or disrupted protein product. Loss-of-function variants in APC are known to be pathogenic (PMID: 17963004, 20685668). This variant is not present in population databases (gnomAD no frequency). This variant has not been reported in the literature in individuals affected with APC-related conditions. ClinVar contains an entry for this variant (Variation ID: 1775634). For these reasons, this variant has been classified as Pathogenic.

Myriad Genetics, Inc.
Classification: Pathogenic for Familial adenomatous polyposis 1. Last evaluated: 2023-05-02. Review status: criteria provided, single submitter. Criteria: Myriad Autosomal Dominant, Autosomal Recessive and X-Linked Classification Criteria (2023). Collection method: clinical testing. Allele origin: unknown.
Comment: This variant is considered pathogenic. This variant creates a termination codon and is predicted to result in premature protein truncation.

Ambry Genetics
Classification: Pathogenic for Hereditary cancer-predisposing syndrome. Last evaluated: 2021-09-08. Review status: criteria provided, single submitter. Criteria: Ambry Variant Classification Scheme 2023. Collection method: clinical testing. Allele origin: germline.
Comment: The p.R527* pathogenic mutation (also known as c.1579A>T), located in coding exon 12 of the APC gene, results from an A to T substitution at nucleotide position 1579. This changes the amino acid from an arginine to a stop codon within coding exon 12. This alteration is expected to result in loss of function by premature protein truncation or nonsense-mediated mRNA decay. As such, this alteration is interpreted as a disease-causing mutation.

Literature cited by the submitters: PubMed 17963004 (cited by Labcorp Genetics (formerly Invitae), Labcorp); PubMed 20685668 (cited by Labcorp Genetics (formerly Invitae), Labcorp).